The following is an entry in ClinVar:

ClinVar aggregate classification (germline): Pathogenic/Likely pathogenic. Review status: criteria provided, multiple submitters, no conflicts (2 of 4 stars). 3 submissions from 3 submitters: Pathogenic (1); Likely pathogenic (1). 1 of the submissions does not count toward it. Last evaluated 2023-08-29.

Conditions:
HYPERHOMOCYSTEINEMIA, THROMBOTIC, CBS-RELATED. Identifiers: MedGen C3150344, OMIM 236200.
Classic homocystinuria. Also called: Homocystinuria due to Cystathionine Beta-Synthase Deficiency; HOMOCYSTINURIA WITH OR WITHOUT RESPONSE TO PYRIDOXINE; Homocystinuria due to CBS deficiency; Cystathionine beta-synthase deficiency; CBS deficiency. Identifiers: Orphanet 394, MedGen C0751202, MONDO:0009352, OMIM 236200.

Submissions (3):

Labcorp Genetics (formerly Invitae), Labcorp
Classification: Pathogenic for HYPERHOMOCYSTEINEMIA, THROMBOTIC, CBS-RELATED. Last evaluated: 2023-08-29. Review status: criteria provided, single submitter. Criteria: Invitae Variant Classification Sherloc (09022015). Collection method: clinical testing. Allele origin: germline.
Comment: For these reasons, this variant has been classified as Pathogenic. This variant disrupts the p.Arg121 amino acid residue in CBS. Other variant(s) that disrupt this residue have been determined to be pathogenic (PMID: 10338090, 16307898, 21520339). This suggests that this residue is clinically significant, and that variants that disrupt this residue are likely to be disease-causing. Experimental studies have shown that this missense change affects CBS function (PMID: 22267502, 22353391). Advanced modeling of protein sequence and biophysical properties (such as structural, functional, and spatial information, amino acid conservation, physicochemical variation, residue mobility, and thermodynamic stability) performed at Invitae indicates that this missense variant is expected to disrupt CBS protein function. ClinVar contains an entry for this variant (Variation ID: 208177). This missense change has been observed in individual(s) with homocystinuria (PMID: 10338090, 22353391). This variant is not present in population databases (gnomAD no frequency). This sequence change replaces arginine, which is basic and polar, with leucine, which is neutral and non-polar, at codon 121 of the CBS protein (p.Arg121Leu).

Fulgent Genetics
Classification: Likely pathogenic for Classic homocystinuria. Last evaluated: 2021-08-17. Review status: criteria provided, single submitter. Criteria: ACMG Guidelines, 2015. Collection method: clinical testing. Allele origin: unknown.

Inserm U 954, Faculté de Médecine de Nancy
No classification provided. Condition: Homocystinuria due to CBS deficiency. Review status: no classification provided. Collection method: not provided. Allele origin: unknown. Not counted in ClinVar's aggregate classification.

Literature cited by the submitters: PubMed 10338090 (cited by Labcorp Genetics (formerly Invitae), Labcorp); PubMed 16307898 (cited by Labcorp Genetics (formerly Invitae), Labcorp); PubMed 21520339 (cited by Labcorp Genetics (formerly Invitae), Labcorp); PubMed 22267502 (cited by Labcorp Genetics (formerly Invitae), Labcorp); PubMed 22353391 (cited by Labcorp Genetics (formerly Invitae), Labcorp).

NM_000071.3(CBS):c.362G>T (p.Arg121Leu)

Gene: CBS (cystathionine beta-synthase; minus strand). Cytogenetic location: 21q22.3.
Variant type: single nucleotide variant.
Coding change: c.362G>T on transcript NM_000071.3 (MANE Select); coding-DNA position 362, G replaced by T.
Protein change: p.Arg121Leu; replaces arginine 121 with leucine.
Molecular consequence: missense variant.
Genome position (GRCh38, 1-based): chr21:43,066,332, C>A on the plus strand (G>T on the coding strand, the complement: CBS is on the minus strand). VCF-style: chr21-43066332-C-A. GRCh37 (hg19) VCF-style: chr21-44486442-C-A.
Other names: c.362G>T, p.Arg121Leu (NM_001178008.3, NM_001178009.3, NM_001320298.2); c.47G>T, p.Arg16Leu (NM_001321072.1); short protein forms R121L, R16L.
Identifiers: ClinVar variation 208177 (VCV000208177.8), dbSNP rs770095972, ClinGen allele CA275933.